The following is an entry in ClinVar:

ClinVar aggregate classification (germline): Uncertain significance (1 of 4 stars; one submission).

gnomAD v4.1: 20 of 1,613,882 alleles (0.0012%); highest among the groups gnomAD compares: African/African-American, 0.0093%; no homozygotes.

Submission:

Ambry Genetics
Classification: Uncertain significance. Last evaluated: 2026-08-04. Review status: criteria provided, single submitter. Criteria: Ambry Variant Classification Scheme 2023. Collection method: clinical testing. Allele origin: germline.
Comment: The c.830C>T (p.P277L) alteration is located in exon 6 (coding exon 5) of the DNAH1 gene. This alteration results from a C to T substitution at nucleotide position 830, causing the proline (P) at amino acid position 277 to be replaced by a leucine (L). Based on data from gnomAD, the T allele has an overall frequency of 0.001% (4/280480) total alleles studied. The highest observed frequency was 0.008% (2/24162) of African alleles. Based on insufficient or conflicting evidence, the clinical significance of this alteration remains unclear.

NM_015512.5(DNAH1):c.830C>T (p.Pro277Leu)

Gene: DNAH1 (dynein axonemal heavy chain 1; plus strand). Cytogenetic location: 3p21.1.
Variant type: single nucleotide variant.
Coding change: c.830C>T on transcript NM_015512.5 (MANE Select); coding-DNA position 830, C replaced by T.
Protein change: p.Pro277Leu; replaces proline 277 with leucine.
Molecular consequence: missense variant.
Genome position (GRCh38, 1-based): chr3:52,327,973, C>T. VCF-style: chr3-52327973-C-T. GRCh37 (hg19) VCF-style: chr3-52361989-C-T.
Other names: short protein forms P277L.
Identifiers: ClinVar variation 3272561 (VCV003272561.2).